The following is an entry in ClinVar:

NM_000051.4(ATM):c.2501A>C (p.Glu834Ala)

Gene: ATM (ATM serine/threonine kinase; plus strand). Cytogenetic location: 11q22.3.
Variant type: single nucleotide variant.
Coding change: c.2501A>C on transcript NM_000051.4 (MANE Select); coding-DNA position 2501, A replaced by C.
Protein change: p.Glu834Ala; replaces glutamic acid 834 with alanine.
Molecular consequence: missense variant.
Genome position (GRCh38, 1-based): chr11:108,267,205, A>C. VCF-style: chr11-108267205-A-C. GRCh37 (hg19) VCF-style: chr11-108137932-A-C.
Other names: c.2501A>C, p.Glu834Ala (NM_001351834.2); short protein forms E834A.
Identifiers: ClinVar variation 3452153 (VCV003452153.1).

ClinVar aggregate classification (germline): Uncertain significance (1 of 4 stars; one submission).

Conditions:
Hereditary cancer-predisposing syndrome. Also called: Tumor predisposition; Neoplastic Syndromes, Hereditary; Hereditary neoplastic syndrome; Hereditary Cancer Syndrome. Identifiers: Orphanet 140162, MedGen C0027672, MeSH D009386, MONDO:0015356.

Submission:

Ambry Genetics
Classification: Uncertain significance for Hereditary cancer-predisposing syndrome. Last evaluated: 2024-10-21. Review status: criteria provided, single submitter. Criteria: Ambry Variant Classification Scheme 2023. Collection method: clinical testing. Allele origin: germline.
Comment: The p.E834A variant (also known as c.2501A>C), located in coding exon 16 of the ATM gene, results from an A to C substitution at nucleotide position 2501. The glutamic acid at codon 834 is replaced by alanine, an amino acid with dissimilar properties. This amino acid position is conserved. In addition, this alteration is predicted to be tolerated by in silico analysis. Based on the available evidence, the clinical significance of this variant remains unclear.